The following is an entry in ClinVar:

ClinVar aggregate classification (germline): Uncertain significance. Review status: criteria provided, multiple submitters, no conflicts (2 of 4 stars). 2 submissions from 2 submitters: Uncertain significance (2). Last evaluated 2025-12-19.

Conditions:
Cholestanol storage disease (CTX). Also called: CEREBRAL CHOLESTERINOSIS; CTX: Cerebrotendinous xanthomatosis; Cerebrotendinous Xanthomatosis. Identifiers: Orphanet 909, MedGen C0238052, MONDO:0008948, OMIM 213700.
CYP27A1-related disorder. Also called: CYP27A1-related condition.

Allele frequency attached by ClinVar (database versions not stated): TOPMed 0.00001; ExAC 0.00002; gnomAD 0.00003.
gnomAD v4.1: 18 of 1,614,068 alleles (0.0011%); highest among the groups gnomAD compares: East Asian, 0.0045%; no homozygotes.

Submissions (2):

PreventionGenetics, part of Exact Sciences
Classification: Uncertain significance for CYP27A1-related condition. Last evaluated: 2025-12-19. Review status: criteria provided, single submitter. Criteria: ACMG Guidelines, 2015. Collection method: clinical testing. Allele origin: germline.
Comment: The CYP27A1 c.692G>A variant is predicted to result in the amino acid substitution p.Arg231Gln. To our knowledge, this variant has not been reported in the literature. This variant is reported in 0.0050% of alleles in individuals of East Asian descent in gnomAD. At this time, the clinical significance of this variant is uncertain due to the absence of conclusive functional and genetic evidence.

Labcorp Genetics (formerly Invitae), Labcorp
Classification: Uncertain significance for Cholestanol storage disease. Last evaluated: 2024-12-12. Review status: criteria provided, single submitter. Criteria: Invitae Variant Classification Sherloc (09022015). Collection method: clinical testing. Allele origin: germline.
Comment: This sequence change replaces arginine, which is basic and polar, with glutamine, which is neutral and polar, at codon 231 of the CYP27A1 protein (p.Arg231Gln). This variant is present in population databases (rs755452918, gnomAD 0.01%). This variant has not been reported in the literature in individuals affected with CYP27A1-related conditions. ClinVar contains an entry for this variant (Variation ID: 2068803). Invitae Evidence Modeling of protein sequence and biophysical properties (such as structural, functional, and spatial information, amino acid conservation, physicochemical variation, residue mobility, and thermodynamic stability) indicates that this missense variant is not expected to disrupt CYP27A1 protein function with a negative predictive value of 95%. In summary, the available evidence is currently insufficient to determine the role of this variant in disease. Therefore, it has been classified as a Variant of Uncertain Significance.

NM_000784.4(CYP27A1):c.692G>A (p.Arg231Gln)

Gene: CYP27A1 (cytochrome P450 family 27 subfamily A member 1; plus strand). Cytogenetic location: 2q35.
Variant type: single nucleotide variant.
Coding change: c.692G>A on transcript NM_000784.4 (MANE Select); coding-DNA position 692, G replaced by A.
Protein change: p.Arg231Gln; replaces arginine 231 with glutamine.
Molecular consequence: missense variant.
Genome position (GRCh38, 1-based): chr2:218,812,597, G>A. VCF-style: chr2-218812597-G-A. GRCh37 (hg19) VCF-style: chr2-219677320-G-A.
Other names: c.692G>A (NM_000784.3); short protein forms R231Q.
Identifiers: ClinVar variation 2068803 (VCV002068803.3), dbSNP rs755452918, ClinGen allele CA2112694.